The following is an entry in ClinVar:

ClinVar aggregate classification (germline): Uncertain significance (1 of 4 stars; one submission).

Conditions:
Hereditary cancer-predisposing syndrome. Also called: Tumor predisposition; Hereditary Cancer Syndrome; Hereditary neoplastic syndrome; Neoplastic Syndromes, Hereditary. Identifiers: Orphanet 140162, MedGen C0027672, MeSH D009386, MONDO:0015356.

Submission:

Ambry Genetics
Classification: Uncertain significance for Hereditary cancer-predisposing syndrome. Last evaluated: 2024-06-14. Review status: criteria provided, single submitter. Criteria: Ambry Variant Classification Scheme 2023. Collection method: clinical testing. Allele origin: germline.
Comment: The p.E245A variant (also known as c.734A>C), located in coding exon 5 of the POLD1 gene, results from an A to C substitution at nucleotide position 734. The glutamic acid at codon 245 is replaced by alanine, an amino acid with dissimilar properties. This amino acid position is conserved. In addition, the in silico prediction for this alteration is inconclusive. Based on the available evidence, the clinical significance of this variant remains unclear.

NM_002691.4(POLD1):c.734A>C (p.Glu245Ala)

Gene: POLD1 (DNA polymerase delta 1, catalytic subunit; plus strand). Cytogenetic location: 19q13.33.
Variant type: single nucleotide variant.
Coding change: c.734A>C on transcript NM_002691.4 (MANE Select); coding-DNA position 734, A replaced by C.
Protein change: p.Glu245Ala; replaces glutamic acid 245 with alanine.
Molecular consequence: missense variant. On other transcripts: non-coding transcript variant (1).
Genome position (GRCh38, 1-based): chr19:50,402,349, A>C. VCF-style: chr19-50402349-A-C. GRCh37 (hg19) VCF-style: chr19-50905606-A-C.
Other names: c.734A>C, p.Glu245Ala (NM_001256849.1, NM_001308632.1); short protein forms E245A.
Identifiers: ClinVar variation 3308307 (VCV003308307.1).